The following is an entry in ClinVar:

NM_006206.6(PDGFRA):c.1217C>T (p.Thr406Ile)

Gene: PDGFRA (platelet derived growth factor receptor alpha; plus strand). Cytogenetic location: 4q12.
Variant type: single nucleotide variant.
Coding change: c.1217C>T on transcript NM_006206.6 (MANE Select); coding-DNA position 1217, C replaced by T.
Protein change: p.Thr406Ile; replaces threonine 406 with isoleucine.
Molecular consequence: missense variant.
Genome position (GRCh38, 1-based): chr4:54,270,728, C>T. VCF-style: chr4-54270728-C-T. GRCh37 (hg19) VCF-style: chr4-55136895-C-T.
Other names: c.1217C>T, p.Thr406Ile (NM_001347827.2, NM_001347829.2); c.1292C>T, p.Thr431Ile (NM_001347828.2); c.1256C>T, p.Thr419Ile (NM_001347830.2); short protein forms T406I, T419I, T431I.
Identifiers: ClinVar variation 1014076 (VCV001014076.11), dbSNP rs772053864, ClinGen allele CA2922487.

ClinVar aggregate classification (germline): Uncertain significance. Review status: criteria provided, multiple submitters, no conflicts (2 of 4 stars). 2 submissions from 2 submitters: Uncertain significance (2). Last evaluated 2025-12-11.

Conditions:
Hereditary cancer-predisposing syndrome. Also called: Neoplastic Syndromes, Hereditary; Hereditary Cancer Syndrome; Hereditary neoplastic syndrome; Tumor predisposition. Identifiers: Orphanet 140162, MedGen C0027672, MeSH D009386, MONDO:0015356.
Gastrointestinal stromal tumor. Also called: Gastrointestinal stromal tumor, somatic; Gastrointestinal stroma tumor. Identifiers: Orphanet 44890, MedGen C0238198, MeSH D046152, MONDO:0011719, OMIM 606764, HP:0100723.

Allele frequency attached by ClinVar (database versions not stated): gnomAD exomes below 0.00001; ExAC 0.00001.

Submissions (2):

Ambry Genetics
Classification: Uncertain significance for Hereditary cancer-predisposing syndrome. Last evaluated: 2025-12-11. Review status: criteria provided, single submitter. Criteria: Ambry Variant Classification Scheme 2023. Collection method: clinical testing. Allele origin: germline.
Comment: The p.T406I variant (also known as c.1217C>T), located in coding exon 7 of the PDGFRA gene, results from a C to T substitution at nucleotide position 1217. The threonine at codon 406 is replaced by isoleucine, an amino acid with similar properties. This amino acid position is conserved. In addition, this alteration is predicted to be tolerated by in silico analysis. Since supporting evidence is limited at this time, the clinical significance of this alteration remains unclear.

Labcorp Genetics (formerly Invitae), Labcorp
Classification: Uncertain significance for Gastrointestinal stromal tumor. Last evaluated: 2025-05-30. Review status: criteria provided, single submitter. Criteria: Invitae Variant Classification Sherloc (09022015). Collection method: clinical testing. Allele origin: germline.
Comment: This sequence change replaces threonine, which is neutral and polar, with isoleucine, which is neutral and non-polar, at codon 406 of the PDGFRA protein (p.Thr406Ile). This variant is not present in population databases (gnomAD no frequency). This variant has not been reported in the literature in individuals affected with PDGFRA-related conditions. ClinVar contains an entry for this variant (Variation ID: 1014076). Invitae Evidence Modeling of protein sequence and biophysical properties (such as structural, functional, and spatial information, amino acid conservation, physicochemical variation, residue mobility, and thermodynamic stability) indicates that this missense variant is not expected to disrupt PDGFRA protein function with a negative predictive value of 80%. In summary, the available evidence is currently insufficient to determine the role of this variant in disease. Therefore, it has been classified as a Variant of Uncertain Significance.